The following is an entry in ClinVar:

NM_004260.4(RECQL4):c.355-8C>T

Gene: RECQL4 (RecQ like helicase 4; minus strand). Cytogenetic location: 8q24.3.
Variant type: single nucleotide variant.
Coding change: c.355-8C>T on transcript NM_004260.4 (MANE Select); 8 bases into the intron before coding-DNA position 355, C replaced by T.
Molecular consequence: intron variant.
Genome position (GRCh38, 1-based): chr8:144,516,772, G>A on the plus strand (C>T on the coding strand, the complement: RECQL4 is on the minus strand). VCF-style: chr8-144516772-G-A. GRCh37 (hg19) VCF-style: chr8-145742156-G-A.
Other names: p.?.
Identifiers: ClinVar variation 414238 (VCV000414238.14), dbSNP rs368782236, ClinGen allele CA4949325.

ClinVar aggregate classification (germline): Conflicting classifications of pathogenicity. Review status: criteria provided, conflicting classifications (1 of 4 stars). 4 submissions from 4 submitters: Uncertain significance (1); Benign (1); Likely benign (2). Last evaluated 2026-01-20.

Conditions:
Baller-Gerold syndrome (BGS). Also called: CRANIOSYNOSTOSIS WITH RADIAL DEFECTS. Identifiers: Orphanet 1225, MedGen C0265308, MONDO:0009039, OMIM 218600.

Allele frequency attached by ClinVar (database versions not stated): TOPMed 0.00030; gnomAD 0.00039 and 0.00044; ESP Exome Variant Server 0.00041; gnomAD exomes 0.00051; ExAC 0.00064.

Submissions (4):

Labcorp Genetics (formerly Invitae), Labcorp
Classification: Benign for Baller-Gerold syndrome. Last evaluated: 2026-01-20. Review status: criteria provided, single submitter. Criteria: Invitae Variant Classification Sherloc (09022015). Collection method: clinical testing. Allele origin: germline.

Dasa
Classification: Uncertain significance. Last evaluated: 2026-01-19. Review status: criteria provided, single submitter. Criteria: DASA Assertion Criteria. Collection method: clinical testing. Allele origin: germline.
Comment: NM_004260.4(RECQL4):c.355-8C>T is a splice-region variant. This variant is rare in population databases. Computational prediction algorithms are consistent with a benign effect. The currently available literature and clinical evidence are not sufficient to establish a definitive association between this variant and the reported condition. Therefore, this variant is classified as a variant of uncertain significance.

Mayo Clinic Laboratories, Mayo Clinic
Classification: Likely benign. Last evaluated: 2025-09-16. Review status: criteria provided, single submitter. Criteria: ACMG Guidelines, 2015. Collection method: clinical testing. Allele origin: germline. Observed: 1 variant allele.
Comment: BP4, BP7

Blueprint Genetics
Classification: Likely benign. Last evaluated: 2024-11-01. Review status: criteria provided, single submitter. Criteria: ACMG Guidelines, 2015. Collection method: clinical testing. Allele origin: germline.